The following is an entry in ClinVar:

ClinVar aggregate classification (germline): Uncertain significance. Review status: criteria provided, multiple submitters, no conflicts (2 of 4 stars). 2 submissions from 2 submitters: Uncertain significance (2). Last evaluated 2022-07-26.

Conditions:
Oculocutaneous albinism type 3 (OCA3). Also called: Albinism, oculocutaneous, type III; RUFOUS OCULOCUTANEOUS ALBINISM; ALBINISM III; XANTHISM; Rufous OCA; Rufous albinism. Identifiers: Orphanet 79433, MedGen C0342683, MONDO:0008747, OMIM 203290.

Allele frequency attached by ClinVar (database versions not stated): TOPMed 0.00002.
gnomAD v4.1: 19 of 1,613,846 alleles (0.0012%); highest among the groups gnomAD compares: Middle Eastern, 0.017%; no homozygotes.

Submissions (2):

Labcorp Genetics (formerly Invitae), Labcorp
Classification: Uncertain significance. Last evaluated: 2022-07-26. Review status: criteria provided, single submitter. Criteria: Invitae Variant Classification Sherloc (09022015). Collection method: clinical testing. Allele origin: germline.
Comment: This sequence change replaces valine, which is neutral and non-polar, with leucine, which is neutral and non-polar, at codon 129 of the TYRP1 protein (p.Val129Leu). This variant also falls at the last nucleotide of exon 2, which is part of the consensus splice site for this exon. This variant is present in population databases (rs759267338, gnomAD 0.005%). This variant has not been reported in the literature in individuals affected with TYRP1-related conditions. ClinVar contains an entry for this variant (Variation ID: 915231). Algorithms developed to predict the effect of missense changes on protein structure and function are either unavailable or do not agree on the potential impact of this missense change (SIFT: "Tolerated"; PolyPhen-2: "Probably Damaging"; Align-GVGD: "Class C0"). Variants that disrupt the consensus splice site are a relatively common cause of aberrant splicing (PMID: 17576681, 9536098). In summary, the available evidence is currently insufficient to determine the role of this variant in disease. Therefore, it has been classified as a Variant of Uncertain Significance.

Illumina Laboratory Services, Illumina
Classification: Uncertain significance for Oculocutaneous albinism type 3. Last evaluated: 2018-02-09. Review status: criteria provided, single submitter. Criteria: ICSL Variant Classification Criteria 13 December 2019. Collection method: clinical testing. Allele origin: germline.

Literature cited by the submitters: PubMed 17576681 (cited by Labcorp Genetics (formerly Invitae), Labcorp); PubMed 9536098 (cited by Labcorp Genetics (formerly Invitae), Labcorp).

NM_000550.3(TYRP1):c.385G>C (p.Val129Leu)

Gene: TYRP1 (tyrosinase related protein 1; plus strand). Cytogenetic location: 9p23.
Variant type: single nucleotide variant.
Coding change: c.385G>C on transcript NM_000550.3 (MANE Select); coding-DNA position 385, G replaced by C.
Protein change: p.Val129Leu; replaces valine 129 with leucine.
Molecular consequence: missense variant.
Genome position (GRCh38, 1-based): chr9:12,694,381, G>C. VCF-style: chr9-12694381-G-C. GRCh37 (hg19) VCF-style: chr9-12694381-G-C.
Other names: short protein forms V129L.
Identifiers: ClinVar variation 915231 (VCV000915231.5), dbSNP rs759267338, ClinGen allele CA4985185.